The following is an entry in ClinVar:

NM_000059.4(BRCA2):c.986_987insC (p.Arg329fs)

Gene: BRCA2 (BRCA2 DNA repair associated; plus strand). Cytogenetic location: 13q13.1.
Variant type: Insertion.
Coding change: c.986_987insC on transcript NM_000059.4 (MANE Select); coding-DNA positions 986 to 987, C inserted.
Protein change: p.Arg329fs; shifts the reading frame from arginine 329.
Molecular consequence: frameshift variant.
Genome position: GRCh38 VCF-style: chr13-32332464-G-GC. GRCh37 (hg19) VCF-style: chr13-32906601-G-GC.
Other names: c.986_987insC, p.Arg329Serfs (NM_001406719.1, NM_001406720.1, NM_001406721.1); short protein forms R329fs.
Identifiers: ClinVar variation 2028507 (VCV002028507.4), dbSNP rs2548519279, ClinGen allele CA2580087191.

ClinVar aggregate classification (germline): Pathogenic (1 of 4 stars; one submission).

Conditions:
Hereditary breast ovarian cancer syndrome. Also called: BRCA1- and BRCA2-Associated Hereditary Breast and Ovarian Cancer; Hereditary breast and ovarian cancer; Hereditary breast and ovarian cancer syndrome (HBOC); Breast and ovarian cancer; Hereditary breast and ovarian cancer syndrome; Hereditary breast and/or ovarian cancer syndrome. Identifiers: Orphanet 145, MedGen C0677776, MeSH D061325, MONDO:0003582. Disease mechanism: loss of function.

Submission:

Labcorp Genetics (formerly Invitae), Labcorp
Classification: Pathogenic for Hereditary breast ovarian cancer syndrome. Last evaluated: 2023-12-08. Review status: criteria provided, single submitter. Criteria: Invitae Variant Classification Sherloc (09022015). Collection method: clinical testing. Allele origin: germline.
Comment: This sequence change creates a premature translational stop signal (p.Arg329Serfs*7) in the BRCA2 gene. It is expected to result in an absent or disrupted protein product. Loss-of-function variants in BRCA2 are known to be pathogenic (PMID: 20104584). This variant is not present in population databases (gnomAD no frequency). This variant has not been reported in the literature in individuals affected with BRCA2-related conditions. ClinVar contains an entry for this variant (Variation ID: 2028507). For these reasons, this variant has been classified as Pathogenic.

Literature cited by the submitters: PubMed 20104584.